The following is an entry in ClinVar:

NM_002017.5(FLI1):c.62C>T (p.Ser21Leu)

Gene: FLI1 (Fli-1 proto-oncogene, ETS transcription factor; plus strand). Cytogenetic location: 11q24.3.
Variant type: single nucleotide variant.
Coding change: c.62C>T on transcript NM_002017.5 (MANE Select); coding-DNA position 62, C replaced by T.
Protein change: p.Ser21Leu; replaces serine 21 with leucine.
Molecular consequence: missense variant. On other transcripts: 5 prime UTR variant (3).
Genome position (GRCh38, 1-based): chr11:128,758,158, C>T. VCF-style: chr11-128758158-C-T. GRCh37 (hg19) VCF-style: chr11-128628053-C-T.
Other names: c.-38C>T (NM_001167681.3); c.-308C>T (NM_001271010.2); c.-159C>T (NM_001271012.2); short protein forms S21L.
Identifiers: ClinVar variation 1978495 (VCV001978495.4), dbSNP rs745372049, ClinGen allele CA6356922.
Genomic context (GRCh38, chr11:128,758,158, plus strand): 5'-CTTCTCTGGCCCTGCAGGAGGCTCTGTCGGTGGTGAGCGACGACCAGTCCCTCTTTGACT[C>T]AGCGTACGGAGCGGCAGCCCATCTCCCCAAGGCCGACATGACTGCCTCGGGGAGTCCTGA-3'
Protein context (NP_002008.2, residues 11-31): VVSDDQSLFD[Ser21Leu]AYGAAAHLPK

ClinVar aggregate classification (germline): Uncertain significance (1 of 4 stars; one submission).

Allele frequency attached by ClinVar (database versions not stated): TOPMed below 0.00001; gnomAD exomes 0.00001; ExAC 0.00002.
gnomAD v4.1: 13 of 1,613,572 alleles (0.00081%); highest among the groups gnomAD compares: South Asian, 0.0055%; no homozygotes.

Submission:

Labcorp Genetics (formerly Invitae), Labcorp
Classification: Uncertain significance. Last evaluated: 2022-09-27. Review status: criteria provided, single submitter. Criteria: Invitae Variant Classification Sherloc (09022015). Collection method: clinical testing. Allele origin: germline.
Comment: In summary, the available evidence is currently insufficient to determine the role of this variant in disease. Therefore, it has been classified as a Variant of Uncertain Significance. Advanced modeling of protein sequence and biophysical properties (such as structural, functional, and spatial information, amino acid conservation, physicochemical variation, residue mobility, and thermodynamic stability) performed at Invitae indicates that this missense variant is not expected to disrupt FLI1 protein function. This variant has not been reported in the literature in individuals affected with FLI1-related conditions. This variant is present in population databases (rs745372049, gnomAD 0.009%). This sequence change replaces serine, which is neutral and polar, with leucine, which is neutral and non-polar, at codon 21 of the FLI1 protein (p.Ser21Leu).